The following is an entry in ClinVar:

NM_006031.6(PCNT):c.6649G>A (p.Gly2217Arg)

Gene: PCNT (pericentrin; plus strand). Cytogenetic location: 21q22.3.
Variant type: single nucleotide variant.
Coding change: c.6649G>A on transcript NM_006031.6 (MANE Select); coding-DNA position 6649, G replaced by A.
Protein change: p.Gly2217Arg; replaces glycine 2217 with arginine.
Molecular consequence: missense variant.
Genome position (GRCh38, 1-based): chr21:46,416,567, G>A. VCF-style: chr21-46416567-G-A. GRCh37 (hg19) VCF-style: chr21-47836481-G-A.
Other names: c.6295G>A, p.Gly2099Arg (NM_001315529.2); short protein forms G2099R, G2217R.
Identifiers: ClinVar variation 2636006 (VCV002636006.2), dbSNP rs753994396, ClinGen allele CA10080376.

ClinVar aggregate classification (germline): Uncertain significance (1 of 4 stars; one submission).

Conditions:
PCNT-related disorder. Also called: PCNT-related condition.

Allele frequency attached by ClinVar (database versions not stated): gnomAD 0.00001; TOPMed 0.00001; ExAC 0.00003.
gnomAD v4.1: 25 of 1,611,750 alleles (0.0016%); highest among the groups gnomAD compares: East Asian, 0.051%; no homozygotes.

Submission:

PreventionGenetics, part of Exact Sciences
Classification: Uncertain significance for PCNT-related condition. Last evaluated: 2026-09-01. Review status: criteria provided, single submitter. Criteria: ACMG Guidelines, 2015. Collection method: clinical testing. Allele origin: germline.
Comment: The PCNT c.6649G>A variant is predicted to result in the amino acid substitution p.Gly2217Arg. To our knowledge, this variant has not been reported in the literature. This variant is reported in 0.016% of alleles in individuals of East Asian descent in gnomAD. At this time, the clinical significance of this variant is uncertain due to the absence of conclusive functional and genetic evidence.